The following is an entry in ClinVar:

NM_052874.5(STX1B):c.610C>G (p.Leu204Val)

Gene: STX1B (syntaxin 1B; minus strand). Cytogenetic location: 16p11.2.
Variant type: single nucleotide variant.
Coding change: c.610C>G on transcript NM_052874.5 (MANE Select); coding-DNA position 610, C replaced by G.
Protein change: p.Leu204Val; replaces leucine 204 with valine.
Molecular consequence: missense variant.
Genome position (GRCh38, 1-based): chr16:30,993,412, G>C on the plus strand (C>G on the coding strand, the complement: STX1B is on the minus strand). VCF-style: chr16-30993412-G-C. GRCh37 (hg19) VCF-style: chr16-31004733-G-C.
Other names: short protein forms L204V.
Identifiers: ClinVar variation 4177273 (VCV004177273.2).

ClinVar aggregate classification (germline): Uncertain significance. Review status: criteria provided, multiple submitters, no conflicts (2 of 4 stars). 2 submissions from 2 submitters: Uncertain significance (2). Last evaluated 2025-08-22.

Conditions:
Inborn genetic diseases. Identifiers: MedGen C0950123, MeSH D030342.
Generalized epilepsy with febrile seizures plus, type 9 (GEFSP9). Also called: GEFS+, TYPE 9. Identifiers: Orphanet 36387, MedGen C4015395, MONDO:0014517, OMIM 616172.

Submissions (2):

Ambry Genetics
Classification: Uncertain significance for Inborn genetic diseases. Last evaluated: 2025-08-22. Review status: criteria provided, single submitter. Criteria: Ambry Variant Classification Scheme 2023. Collection method: clinical testing. Allele origin: germline.

Labcorp Genetics (formerly Invitae), Labcorp
Classification: Uncertain significance for Generalized epilepsy with febrile seizures plus, type 9. Last evaluated: 2025-07-08. Review status: criteria provided, single submitter. Criteria: Invitae Variant Classification Sherloc (09022015). Collection method: clinical testing. Allele origin: germline.
Comment: This sequence change replaces leucine, which is neutral and non-polar, with valine, which is neutral and non-polar, at codon 204 of the STX1B protein (p.Leu204Val). This variant is not present in population databases (gnomAD no frequency). This variant has not been reported in the literature in individuals affected with STX1B-related conditions. Invitae Evidence Modeling of protein sequence and biophysical properties (such as structural, functional, and spatial information, amino acid conservation, physicochemical variation, residue mobility, and thermodynamic stability) has been performed for this missense variant. However, the output from this modeling did not meet the statistical confidence thresholds required to predict the impact of this variant on STX1B protein function. In summary, the available evidence is currently insufficient to determine the role of this variant in disease. Therefore, it has been classified as a Variant of Uncertain Significance.